The following is an entry in ClinVar:

ClinVar aggregate classification (germline): Uncertain significance (0 of 4 stars; one submission).

Conditions:
PHIP-related disorder. Also called: PHIP-related condition; PHIP-related disorders.

gnomAD v4.1: 3 of 1,614,070 alleles (0.00019%); highest among the groups gnomAD compares: Non-Finnish European, 0.00025%; no homozygotes.

Submission:

PreventionGenetics, part of Exact Sciences
Classification: Uncertain significance for PHIP-related condition. Last evaluated: 2024-09-19. Review status: no assertion criteria provided. Collection method: clinical testing. Allele origin: germline.
Comment: The PHIP c.5170A>G variant is predicted to result in the amino acid substitution p.Lys1724Glu. To our knowledge, this variant has not been reported in the literature or in gnomAD, indicating this variant is rare. At this time, the clinical significance of this variant is uncertain due to the absence of conclusive functional and genetic evidence.

NM_017934.7(PHIP):c.5170A>G (p.Lys1724Glu)

Genes: IRAK1BP1 (interleukin 1 receptor associated kinase 1 binding protein 1; plus strand), PHIP (PHIP subunit of CUL4-Ring ligase complex; minus strand). Cytogenetic location: 6q14.1.
Variant type: single nucleotide variant.
Coding change: c.5170A>G on transcript NM_017934.7 (MANE Select); coding-DNA position 5170, A replaced by G.
Protein change: p.Lys1724Glu; replaces lysine 1724 with glutamic acid.
Molecular consequence: missense variant.
Genome position (GRCh38, 1-based): chr6:78,940,989, T>C on the plus strand (A>G on the coding strand, the complement: PHIP is on the minus strand). VCF-style: chr6-78940989-T-C. GRCh37 (hg19) VCF-style: chr6-79650706-T-C.
Other names: short protein forms K1724E.
Identifiers: ClinVar variation 3354421 (VCV003354421.1).
Genomic context (GRCh38, chr6:78,940,989, plus strand): 5'-TTCGGTTACTTCTCCTTAACACTTTGACACTTGCAGGGACTAGGAGATCTGCATCTAATT[T>C]TTGTGTCTTCATCTTCCTTTTGGGCTTCCTACCTCCACGATTCTTTTTCTGTAACAAATC-3'
Protein context (NP_060404.4, residues 1714-1734): RKPKRKMKTQ[Lys1724Glu]LDADLLVPAS